The following is an entry in ClinVar:

NM_001267550.2(TTN):c.31321G>A (p.Glu10441Lys)

Gene: TTN (titin; minus strand). Cytogenetic location: 2q31.2.
Variant type: single nucleotide variant.
Coding change: c.31321G>A on transcript NM_001267550.2 (MANE Select); coding-DNA position 31321, G replaced by A.
Protein change: p.Glu10441Lys; replaces glutamic acid 10441 with lysine.
Molecular consequence: missense variant. On other transcripts: intron variant (3).
Genome position (GRCh38, 1-based): chr2:178,694,856, C>T on the plus strand (G>A on the coding strand, the complement: TTN is on the minus strand). VCF-style: chr2-178694856-C-T. GRCh37 (hg19) VCF-style: chr2-179559583-C-T.
Other names: c.30370G>A, p.Glu10124Lys (NM_001256850.1); c.27589G>A, p.Glu9197Lys (NM_133378.4); c.13282+43226G>A (NM_003319.4); c.13858+43226G>A (NM_133437.4); c.13657+43226G>A (NM_133432.3); short protein forms E10441K, E9197K, E10124K.
Identifiers: ClinVar variation 595417 (VCV000595417.10), dbSNP rs901197333, ClinGen allele CA60991787.

ClinVar aggregate classification (germline): Conflicting classifications of pathogenicity. Review status: criteria provided, conflicting classifications (1 of 4 stars). 3 submissions from 3 submitters: Uncertain significance (2); Likely benign (1). Last evaluated 2020-07-21.

Allele frequency attached by ClinVar (database versions not stated): gnomAD 0.00001; TOPMed 0.00001; gnomAD exomes 0.00002 and 0.00003.
gnomAD v4.1: 37 of 1,559,976 alleles (0.0024%); highest among the groups gnomAD compares: Non-Finnish European, 0.0032%; no homozygotes.

Submissions (3):

Revvity Omics, Revvity
Classification: Uncertain significance. Last evaluated: 2020-07-21. Review status: criteria provided, single submitter. Criteria: ACMG Guidelines, 2015. Collection method: clinical testing. Allele origin: germline.

GeneDx
Classification: Likely benign. Last evaluated: 2018-05-17. Review status: criteria provided, single submitter. Criteria: GeneDx Variant Classification (06012015). Collection method: clinical testing. Allele origin: germline. Affected: yes.
Comment: This variant is considered likely benign or benign based on one or more of the following criteria: it is a conservative change, it occurs at a poorly conserved position in the protein, it is predicted to be benign by multiple in silico algorithms, and/or has population frequency not consistent with disease.

Eurofins Ntd Llc (ga)
Classification: Uncertain significance. Last evaluated: 2017-12-21. Review status: criteria provided, single submitter. Criteria: EGL Classification Definitions 2015. Collection method: clinical testing. Allele origin: germline. Observed: 1 variant allele, 1 heterozygote.